The following is an entry in ClinVar:

ClinVar aggregate classification (germline): Conflicting classifications of pathogenicity. Review status: criteria provided, conflicting classifications (1 of 4 stars). 2 submissions from 2 submitters: Uncertain significance (1); Likely benign (1). Last evaluated 2024-12-09.

Allele frequency attached by ClinVar (database versions not stated): gnomAD 0.00001; gnomAD exomes 0.00001.
gnomAD v4.1: 8 of 1,205,086 alleles (0.00066%); highest among the groups gnomAD compares: South Asian, 0.0018%; no homozygotes.

Submissions (2):

Mayo Clinic Laboratories, Mayo Clinic
Classification: Uncertain significance. Last evaluated: 2024-12-09. Review status: criteria provided, single submitter. Criteria: ACMG Guidelines, 2015. Collection method: clinical testing. Allele origin: germline. Observed: 1 variant allele.
Comment: PM2_moderate

Labcorp Genetics (formerly Invitae), Labcorp
Classification: Likely benign. Last evaluated: 2023-01-15. Review status: criteria provided, single submitter. Criteria: Invitae Variant Classification Sherloc (09022015). Collection method: clinical testing. Allele origin: germline.

NM_033380.3(COL4A5):c.4076T>C (p.Ile1359Thr)

Gene: COL4A5 (collagen type IV alpha 5 chain; plus strand). Cytogenetic location: Xq22.3.
Variant type: single nucleotide variant.
Coding change: c.4076T>C on transcript NM_033380.3 (MANE Select); coding-DNA position 4076, T replaced by C.
Protein change: p.Ile1359Thr; replaces isoleucine 1359 with threonine.
Molecular consequence: missense variant.
Genome position (GRCh38, 1-based): chrX:108,680,945, T>C. VCF-style: chrX-108680945-T-C. GRCh37 (hg19) VCF-style: chrX-107924175-T-C.
Other names: p.Ile1353Thr; c.4058T>C, p.Ile1353Thr (NM_000495.5); short protein forms I1359T, I1353T.
Identifiers: ClinVar variation 2733702 (VCV002733702.4), dbSNP rs1431386295, ClinGen allele CA413851215.